The following is an entry in ClinVar:

ClinVar aggregate classification (germline): Uncertain significance (1 of 4 stars; one submission).

Conditions:
Rafiq syndrome (RAFQS). Identifiers: Orphanet 88616, MedGen C3280127, MONDO:0013624, OMIM 614202.

Submission:

Labcorp Genetics (formerly Invitae), Labcorp
Classification: Uncertain significance for Rafiq syndrome. Last evaluated: 2023-03-04. Review status: criteria provided, single submitter. Criteria: Invitae Variant Classification Sherloc (09022015). Collection method: clinical testing. Allele origin: germline.
Comment: This sequence change falls in intron 2 of the MAN1B1 gene. It does not directly change the encoded amino acid sequence of the MAN1B1 protein. This variant is not present in population databases (gnomAD no frequency). This variant has not been reported in the literature in individuals affected with MAN1B1-related conditions. ClinVar contains an entry for this variant (Variation ID: 2026210). Algorithms developed to predict the effect of sequence changes on RNA splicing suggest that this variant may create or strengthen a splice site. In summary, the available evidence is currently insufficient to determine the role of this variant in disease. Therefore, it has been classified as a Variant of Uncertain Significance.

NM_016219.5(MAN1B1):c.329-9G>C

Gene: MAN1B1 (mannosidase alpha class 1B member 1; plus strand). Cytogenetic location: 9q34.3.
Variant type: single nucleotide variant.
Coding change: c.329-9G>C on transcript NM_016219.5 (MANE Select); 9 bases into the intron before coding-DNA position 329, G replaced by C.
Molecular consequence: intron variant.
Genome position (GRCh38, 1-based): chr9:137,088,860, G>C. VCF-style: chr9-137088860-G-C. GRCh37 (hg19) VCF-style: chr9-139983312-G-C.
Identifiers: ClinVar variation 2026210 (VCV002026210.4), dbSNP rs2538299264, ClinGen allele CA2580081247.